The following is an entry in ClinVar:

ClinVar aggregate classification (germline): Pathogenic (1 of 4 stars; one submission).

Submission:

GeneDx
Classification: Pathogenic. Last evaluated: 2021-11-27. Review status: criteria provided, single submitter. Criteria: GeneDx Variant Classification Process June 2021. Collection method: clinical testing. Allele origin: germline. Affected: yes.
Comment: Nonsense variant predicted to result in protein truncation or nonsense mediated decay in a gene for which loss-of-function is a known mechanism of disease; Not observed at significant frequency in large population cohorts (gnomAD); This variant is associated with the following publications: (PMID: 30919572)

NM_001374828.1(ARID1B):c.2983C>T (p.Gln995Ter)

Gene: ARID1B (AT-rich interaction domain 1B; plus strand). Cytogenetic location: 6q25.3.
Variant type: single nucleotide variant.
Coding change: c.2983C>T on transcript NM_001374828.1 (MANE Select); coding-DNA position 2983, C replaced by T.
Protein change: p.Gln995Ter; replaces glutamine 995 with a stop codon.
Molecular consequence: nonsense.
Genome position (GRCh38, 1-based): chr6:157,148,845, C>T. VCF-style: chr6-157148845-C-T. GRCh37 (hg19) VCF-style: chr6-157469979-C-T.
Other names: c.2773C>T, p.Gln925Ter (NM_020732.3); c.484C>T, p.Gln162Ter (NM_001363725.2); c.3022C>T, p.Gln1008Ter (NM_001371656.1, NM_001374820.1); c.2983C>T, p.Gln995Ter (NM_017519.3); short protein forms Q925*, Q162*, Q1008*, Q995*.
Identifiers: ClinVar variation 488923 (VCV000488923.4), dbSNP rs1554226097, ClinGen allele CA366389083.